The following is an entry in ClinVar:

NM_001099289.3(SH3RF3):c.1118A>G (p.Lys373Arg)

Genes: RANBP2 (RAN binding protein 2; plus strand), SH3RF3 (SH3 domain containing ring finger 3; plus strand). Cytogenetic location: 2q13.
Variant type: single nucleotide variant.
Coding change: c.1118A>G on transcript NM_001099289.3 (MANE Select); coding-DNA position 1118, A replaced by G.
Protein change: p.Lys373Arg; replaces lysine 373 with arginine.
Molecular consequence: missense variant.
Genome position (GRCh38, 1-based): chr2:109,398,762, A>G. VCF-style: chr2-109398762-A-G. GRCh37 (hg19) VCF-style: chr2-110015218-A-G.
Other names: short protein forms K373R.
Identifiers: ClinVar variation 4583328 (VCV004583328.1).

ClinVar aggregate classification (germline): Uncertain significance (1 of 4 stars; one submission).

gnomAD v4.1: 7 of 1,613,710 alleles (0.00043%); highest among the groups gnomAD compares: Non-Finnish European, 0.00051%; no homozygotes.

Submission:

Ambry Genetics
Classification: Uncertain significance. Last evaluated: 2025-10-15. Review status: criteria provided, single submitter. Criteria: Ambry Variant Classification Scheme 2023. Collection method: clinical testing. Allele origin: germline.
Comment: The c.1118A>G (p.K373R) alteration is located in exon (coding exon ) of the SH3RF3 gene. This alteration results from a A to G substitution at nucleotide position 1118, causing the lysine (K) at amino acid position 373 to be replaced by an arginine (R). Based on insufficient or conflicting evidence, the clinical significance of this alteration remains unclear.